The following is an entry in ClinVar:

ClinVar aggregate classification (germline): Uncertain significance (1 of 4 stars; one submission).

Conditions:
Werner syndrome (WRN). Identifiers: Orphanet 902, MedGen C0043119, MONDO:0010196, OMIM 277700.

Allele frequency attached by ClinVar (database versions not stated): ExAC 0.00003; gnomAD 0.00003; gnomAD exomes 0.00004; TOPMed 0.00005; ESP Exome Variant Server 0.00008; 1000 Genomes Project 30x 0.00016; 1000 Genomes Project 0.00020.
gnomAD v4.1: 49 of 1,613,838 alleles (0.003%); highest among the groups gnomAD compares: Middle Eastern, 0.017%; no homozygotes.

Submission:

Labcorp Genetics (formerly Invitae), Labcorp
Classification: Uncertain significance for Werner syndrome. Last evaluated: 2026-02-01. Review status: criteria provided, single submitter. Criteria: Invitae Variant Classification Sherloc (09022015). Collection method: clinical testing. Allele origin: germline.
Comment: This sequence change replaces threonine, which is neutral and polar, with methionine, which is neutral and non-polar, at codon 1425 of the WRN protein (p.Thr1425Met). This variant is present in population databases (rs143771120, gnomAD 0.02%). This variant has not been reported in the literature in individuals affected with WRN-related conditions. ClinVar contains an entry for this variant (Variation ID: 579172). An algorithm developed to predict the effect of missense changes on protein structure and function (PolyPhen-2) suggests that this variant is likely to be disruptive. In summary, the available evidence is currently insufficient to determine the role of this variant in disease. Therefore, it has been classified as a Variant of Uncertain Significance.

NM_000553.6(WRN):c.4274C>T (p.Thr1425Met)

Genes: WRN (WRN RecQ like helicase; plus strand), LOC126860342 (MED14-independent group 3 enhancer GRCh37_chr8:31029565-31030764; plus strand). Cytogenetic location: 8p12.
Variant type: single nucleotide variant.
Coding change: c.4274C>T on transcript NM_000553.6 (MANE Select); coding-DNA position 4274, C replaced by T.
Protein change: p.Thr1425Met; replaces threonine 1425 with methionine.
Molecular consequence: missense variant.
Genome position (GRCh38, 1-based): chr8:31,173,077, C>T. VCF-style: chr8-31173077-C-T. GRCh37 (hg19) VCF-style: chr8-31030593-C-T.
Other names: short protein forms T1425M.
Identifiers: ClinVar variation 579172 (VCV000579172.7), dbSNP rs143771120, ClinGen allele CA4705311.